The following is an entry in ClinVar:

ClinVar aggregate classification (germline): Uncertain significance. Review status: criteria provided, multiple submitters, no conflicts (2 of 4 stars). 6 submissions from 6 submitters: Uncertain significance (5). 1 of the submissions does not count toward it. Last evaluated 2024-10-29.

Conditions:
Inborn genetic diseases. Identifiers: MedGen C0950123, MeSH D030342.
Kostmann syndrome (SCN3). Also called: Autosomal recessive severe congenital neutropenia type 3; KOSTMANN DISEASE. Identifiers: Orphanet 99749, MedGen C5235141, MONDO:0012548, OMIM 610738.

Allele frequency attached by ClinVar (database versions not stated): TOPMed 0.00010; ExAC 0.00021; gnomAD exomes 0.00023; gnomAD 0.00029.

Submissions (6):

Blueprint Genetics
Classification: Uncertain significance. Last evaluated: 2024-10-29. Review status: criteria provided, single submitter. Criteria: ACMG Guidelines, 2015. Collection method: clinical testing. Allele origin: germline.

Labcorp Genetics (formerly Invitae), Labcorp
Classification: Uncertain significance for Kostmann syndrome. Last evaluated: 2022-08-24. Review status: criteria provided, single submitter. Criteria: Invitae Variant Classification Sherloc (09022015). Collection method: clinical testing. Allele origin: germline.
Comment: This sequence change replaces glycine, which is neutral and non-polar, with alanine, which is neutral and non-polar, at codon 143 of the HAX1 protein (p.Gly143Ala). This variant is present in population databases (rs755031266, gnomAD 0.07%). This missense change has been observed in individual(s) with severe congenital neutropenia (PMID: 19036076). ClinVar contains an entry for this variant (Variation ID: 574945). Algorithms developed to predict the effect of missense changes on protein structure and function are either unavailable or do not agree on the potential impact of this missense change (SIFT: "Tolerated"; PolyPhen-2: "Possibly Damaging"; Align-GVGD: "Class C0"). In summary, the available evidence is currently insufficient to determine the role of this variant in disease. Therefore, it has been classified as a Variant of Uncertain Significance.

Revvity Omics, Revvity
Classification: Uncertain significance for Kostmann syndrome. Last evaluated: 2022-07-20. Review status: criteria provided, single submitter. Criteria: ACMG Guidelines, 2015. Collection method: clinical testing. Allele origin: germline.

Ambry Genetics
Classification: Uncertain significance for Inborn genetic diseases. Last evaluated: 2022-05-14. Review status: criteria provided, single submitter. Criteria: Ambry Variant Classification Scheme 2023. Collection method: clinical testing. Allele origin: germline.

Breakthrough Genomics
Classification: Uncertain significance. Review status: criteria provided, single submitter. Criteria: ACMG Guidelines, 2015. Collection method: not provided. Allele origin: germline. Inheritance: Autosomal recessive inheritance. Affected: yes.

Natera, Inc.
Classification: Likely benign for Autosomal recessive severe congenital neutropenia type 3. Last evaluated: 2020-01-08. Review status: no assertion criteria provided. Collection method: clinical testing. Allele origin: germline. Not counted in ClinVar's aggregate classification.

Literature cited by the submitters: PubMed 19036076 (cited by Labcorp Genetics (formerly Invitae), Labcorp and Ambry Genetics).

NM_006118.4(HAX1):c.428G>C (p.Gly143Ala)

Gene: HAX1 (HCLS1 associated protein X-1; plus strand). Cytogenetic location: 1q21.3.
Variant type: single nucleotide variant.
Coding change: c.428G>C on transcript NM_006118.4 (MANE Select); coding-DNA position 428, G replaced by C.
Protein change: p.Gly143Ala; replaces glycine 143 with alanine.
Molecular consequence: missense variant.
Genome position (GRCh38, 1-based): chr1:154,273,885, G>C. VCF-style: chr1-154273885-G-C. GRCh37 (hg19) VCF-style: chr1-154246361-G-C.
Other names: c.284G>C, p.Gly95Ala (NM_001018837.2); short protein forms G143A, G95A.
Identifiers: ClinVar variation 574945 (VCV000574945.12), dbSNP rs755031266, ClinGen allele CA1127345.